The following is an entry in ClinVar:

NM_002768.5(CHMP1A):c.253-317C>T

Gene: CHMP1A (charged multivesicular body protein 1A; minus strand). Cytogenetic location: 16q24.3.
Variant type: single nucleotide variant.
Coding change: c.253-317C>T on transcript NM_002768.5 (MANE Select); 317 bases into the intron before coding-DNA position 253, C replaced by T.
Molecular consequence: intron variant.
Genome position (GRCh38, 1-based): chr16:89,647,648, G>A on the plus strand (C>T on the coding strand, the complement: CHMP1A is on the minus strand). VCF-style: chr16-89647648-G-A. GRCh37 (hg19) VCF-style: chr16-89714056-G-A.
Other names: c.233-317C>T (NM_001083314.4).
Identifiers: ClinVar variation 668087 (VCV000668087.2), dbSNP rs28436701, ClinGen allele CA15875760.
Genomic context (GRCh38, chr16:89,647,648, plus strand): 5'-AAAAGGCCGCCGACGTGGAGACCCAGTGCGGGGTCGGTGGAGAAAAGGCCGCCGACGTGG[G>A]GACCCAGCGCGGGGTCGGTGGAGAAAAGGCCGCCGACGTGGGGACCCAGCGCGGGGTCGG-3'

ClinVar aggregate classification (germline): Benign. Review status: criteria provided, multiple submitters, no conflicts (2 of 4 stars). 2 submissions from 2 submitters: Benign (2). Last evaluated 2018-06-19.

Allele frequency attached by ClinVar (database versions not stated): gnomAD 0.33935 and 0.34209.

Submissions (2):

GeneDx
Classification: Benign. Last evaluated: 2018-06-19. Review status: criteria provided, single submitter. Criteria: GeneDx Variant Classification (06012015). Collection method: clinical testing. Allele origin: germline. Affected: yes.
Comment: This variant is considered likely benign or benign based on one or more of the following criteria: it is a conservative change, it occurs at a poorly conserved position in the protein, it is predicted to be benign by multiple in silico algorithms, and/or has population frequency not consistent with disease.

Breakthrough Genomics
Classification: Benign. Review status: criteria provided, single submitter. Criteria: ACMG Guidelines, 2015. Collection method: not provided. Allele origin: germline. Inheritance: Autosomal recessive inheritance. Affected: yes.